The following is an entry in ClinVar:

Conditions:
Long QT syndrome 5 (LQT5). Identifiers: Orphanet 101016, Orphanet 768, MedGen C1867904, MONDO:0013372, OMIM 613695.

Submission:

Roden Lab, Vanderbilt University Medical Center
No classification provided (evidence only). Condition: Long QT syndrome 5. Review status: no classification provided. Collection method: in vitro. Allele origin: not applicable. Functional consequence: Effect on ion channel function.
ClinVar note: "not provided" was previously submitted as the classification for the variant. However, the classification appeared to be based only on an observation of functional data so it was converted to no classification on 2025-07-30.

NM_000219.6(KCNE1):c.120C>A (p.Gly40=)

Gene: KCNE1 (potassium voltage-gated channel subfamily E regulatory subunit 1; minus strand). Cytogenetic location: 21q22.12.
Variant type: single nucleotide variant.
Coding change: c.120C>A on transcript NM_000219.6 (MANE Select); coding-DNA position 120, C replaced by A.
Protein change: p.Gly40=; no amino-acid change (glycine 40 retained).
Molecular consequence: synonymous variant.
Genome position (GRCh38, 1-based): chr21:34,449,515, G>T on the plus strand (C>A on the coding strand, the complement: KCNE1 is on the minus strand). VCF-style: chr21-34449515-G-T. GRCh37 (hg19) VCF-style: chr21-35821813-G-T.
Other names: c.120C>A, p.Gly40= (NM_001127668.4, NM_001127669.4, NM_001127670.4 and 4 more transcripts).
Identifiers: ClinVar variation 3374096 (VCV003374096.2).